The following is an entry in ClinVar:

ClinVar aggregate classification (germline): not provided (0 of 4 stars; one submission).

Conditions:
Familial long QT syndrome (RWS). Also called: Congenital long QT syndrome; Romano-Ward syndrome; VENTRICULAR FIBRILLATION WITH PROLONGED QT INTERVAL. Identifiers: Orphanet 768, MedGen C1141890, MONDO:0019171.

Submission:

Cardiovascular Biomedical Research Unit, Royal Brompton & Harefield NHS Foundation Trust
No classification provided. Condition: Familial long QT syndrome. Review status: no classification provided. Collection method: literature only. Allele origin: germline.
Comment: This variant has been reported as associated with Long QT syndrome in the following publications (PMID:19926013). This is a literature report, and does not necessarily reflect the clinical interpretation of the Imperial College / Royal Brompton Cardiovascular Genetics laboratory.

Literature cited by the submitters: PubMed 19926013; PubMed 22581653.

NM_000238.4(KCNH2):c.1689G>T (p.Trp563Cys)

Gene: KCNH2 (potassium voltage-gated channel subfamily H member 2; minus strand). Cytogenetic location: 7q36.1.
Variant type: single nucleotide variant.
Coding change: c.1689G>T on transcript NM_000238.4 (MANE Select); coding-DNA position 1689, G replaced by T.
Protein change: p.Trp563Cys; replaces tryptophan 563 with cysteine.
Molecular consequence: missense variant.
Genome position (GRCh38, 1-based): chr7:150,951,704, C>A on the plus strand (G>T on the coding strand, the complement: KCNH2 is on the minus strand). VCF-style: chr7-150951704-C-A. GRCh37 (hg19) VCF-style: chr7-150648792-C-A.
Other names: c.1689G>T (LRG_288t1); c.669G>T, p.Trp223Cys (NM_001204798.2, NM_172057.3); c.1401G>T, p.Trp467Cys (NM_001406753.1, NM_001406756.1); c.1512G>T, p.Trp504Cys (NM_001406755.1); c.1389G>T, p.Trp463Cys (NM_001406757.1); c.1689G>T, p.Trp563Cys (NM_172056.3); short protein forms W223C, W563C, W467C, W463C, W504C.
Identifiers: ClinVar variation 67234 (VCV000067234.3), dbSNP rs199473517, ClinGen allele CA005087.